The following is an entry in ClinVar:

ClinVar aggregate classification (germline): Uncertain significance. Review status: criteria provided, single submitter (1 of 4 stars). 2 submissions from 2 submitters: Uncertain significance (1). 1 of the submissions does not count toward it. Last evaluated 2025-02-06.

Conditions:
RAF1-related disorder. Also called: RAF1-related condition; RAF1-related disorders.
RASopathy. Also called: rasopathies; Noonan spectrum disorder. Identifiers: Orphanet 536391, MedGen C5555857, MONDO:0021060.

Submissions (2):

Labcorp Genetics (formerly Invitae), Labcorp
Classification: Uncertain significance for RASopathy. Last evaluated: 2025-02-06. Review status: criteria provided, single submitter. Criteria: Invitae Variant Classification Sherloc (09022015). Collection method: clinical testing. Allele origin: germline.
Comment: This sequence change replaces asparagine, which is neutral and polar, with serine, which is neutral and polar, at codon 64 of the RAF1 protein (p.Asn64Ser). This variant is not present in population databases (gnomAD no frequency). This variant has not been reported in the literature in individuals affected with RAF1-related conditions. ClinVar contains an entry for this variant (Variation ID: 2823756). Invitae Evidence Modeling incorporating data from in vitro experimental studies (internal data) indicates that this missense variant is not expected to disrupt RAF1 function with a negative predictive value of 95%. In summary, the available evidence is currently insufficient to determine the role of this variant in disease. Therefore, it has been classified as a Variant of Uncertain Significance.

PreventionGenetics, part of Exact Sciences
Classification: Uncertain significance for RAF1-related condition. Last evaluated: 2024-04-16. Review status: no assertion criteria provided. Collection method: clinical testing. Allele origin: germline. Not counted in ClinVar's aggregate classification.
Comment: The RAF1 c.191A>G variant is predicted to result in the amino acid substitution p.Asn64Ser. To our knowledge, this variant has not been reported in the literature or in a large population database, indicating this variant is rare. At this time, the clinical significance of this variant is uncertain due to the absence of conclusive functional and genetic evidence.

NM_002880.4(RAF1):c.191A>G (p.Asn64Ser)

Gene: RAF1 (Raf-1 proto-oncogene, serine/threonine kinase; minus strand). Cytogenetic location: 3p25.2.
Variant type: single nucleotide variant.
Coding change: c.191A>G on transcript NM_002880.4 (MANE Select); coding-DNA position 191, A replaced by G.
Protein change: p.Asn64Ser; replaces asparagine 64 with serine.
Molecular consequence: missense variant. On other transcripts: non-coding transcript variant (3).
Genome position (GRCh38, 1-based): chr3:12,618,531, T>C on the plus strand (A>G on the coding strand, the complement: RAF1 is on the minus strand). VCF-style: chr3-12618531-T-C. GRCh37 (hg19) VCF-style: chr3-12660030-T-C.
Other names: c.191A>G, p.Asn64Ser (NM_001354693.3, NM_001354689.3, NM_001354690.3); c.61A>G, p.Thr21Ala (NM_001354694.3, NM_001354695.3, NM_001354691.3 and 1 more transcripts); short protein forms T21A, N64S.
Identifiers: ClinVar variation 2823756 (VCV002823756.4), dbSNP rs2470446430, ClinGen allele CA351484884.